The following is an entry in ClinVar:

NM_004304.5(ALK):c.117G>T (p.Gln39His)

Gene: ALK (ALK receptor tyrosine kinase; minus strand). Cytogenetic location: 2p23.1.
Variant type: single nucleotide variant.
Coding change: c.117G>T on transcript NM_004304.5 (MANE Select); coding-DNA position 117, G replaced by T.
Protein change: p.Gln39His; replaces glutamine 39 with histidine.
Molecular consequence: missense variant.
Genome position (GRCh38, 1-based): chr2:29,920,543, C>A on the plus strand (G>T on the coding strand, the complement: ALK is on the minus strand). VCF-style: chr2-29920543-C-A. GRCh37 (hg19) VCF-style: chr2-30143409-C-A.
Other names: short protein forms Q39H.
Identifiers: ClinVar variation 1720360 (VCV001720360.5), dbSNP rs1225169683, ClinGen allele CA346590663.

ClinVar aggregate classification (germline): Uncertain significance (1 of 4 stars; one submission).

Conditions:
Neuroblastoma, susceptibility to, 3. Also called: ALK-Related Neuroblastic Tumor Susceptibility. Identifiers: Orphanet 635, MedGen C2751681, MONDO:0013083, OMIM 613014.

gnomAD v4.1: 1 of 1,607,552 alleles (0.000062%); highest among the groups gnomAD compares: Non-Finnish European, 0.000085%; no homozygotes.

Submission:

Labcorp Genetics (formerly Invitae), Labcorp
Classification: Uncertain significance for Neuroblastoma, susceptibility to, 3. Last evaluated: 2022-09-25. Review status: criteria provided, single submitter. Criteria: Invitae Variant Classification Sherloc (09022015). Collection method: clinical testing. Allele origin: germline.
Comment: This variant is not present in population databases (gnomAD no frequency). This variant has not been reported in the literature in individuals affected with ALK-related conditions. This sequence change replaces glutamine, which is neutral and polar, with histidine, which is basic and polar, at codon 39 of the ALK protein (p.Gln39His). Algorithms developed to predict the effect of missense changes on protein structure and function are either unavailable or do not agree on the potential impact of this missense change (SIFT: "Deleterious"; PolyPhen-2: "Probably Damaging"; Align-GVGD: "Class C0"). In summary, the available evidence is currently insufficient to determine the role of this variant in disease. Therefore, it has been classified as a Variant of Uncertain Significance.